The following is an entry in ClinVar:

ClinVar aggregate classification (germline): Conflicting classifications of pathogenicity. Review status: criteria provided, conflicting classifications (1 of 4 stars). 6 submissions from 6 submitters: Uncertain significance (2); Likely benign (3). 1 of the submissions does not count toward it. Last evaluated 2026-06-18.

Conditions:
CENPE-related disorder. Also called: CENPE-related condition.

Allele frequency attached by ClinVar (database versions not stated): gnomAD exomes 0.00070 and 0.00089; ExAC 0.00087; gnomAD 0.00094 and 0.00095; TOPMed 0.00114; ESP Exome Variant Server 0.00123; 1000 Genomes Project 0.00140; 1000 Genomes Project 30x 0.00156.
gnomAD v4.1: 1,198 of 1,602,584 alleles (0.075%); highest among the groups gnomAD compares: Middle Eastern, 0.42%; 2 homozygotes.

Submissions (6):

Women's Health and Genetics/Laboratory Corporation of America, LabCorp
Classification: Uncertain significance. Last evaluated: 2026-06-18. Review status: criteria provided, single submitter. Criteria: LabCorp Variant Classification Summary - May 2015. Collection method: clinical testing. Allele origin: germline.
Comment: Variant summary: CENPE c.6203G>C (p.Arg2068Thr) results in a non-conservative amino acid change in the encoded protein sequence. Algorithms developed to predict the effect of missense changes on protein structure and function are either unavailable or do not agree on the potential impact of this missense change. Consensus agreement among computation tools predict no significant impact on normal splicing. However, these predictions have yet to be confirmed by functional studies. The variant allele was found at a frequency of 0.00089 in 242492 control chromosomes, predominantly at a frequency of 0.0022 within the Latino subpopulation in the gnomAD database. This frequency is not significantly higher than estimated for disease-causing variants in CENPE, allowing no conclusion about variant significance. To our knowledge, no occurrence of c.6203G>C in individuals affected with CENPE-related conditions and no experimental evidence demonstrating its impact on protein function have been reported. ClinVar contains an entry for this variant (Variation ID: 1012503). Based on the evidence outlined above, the variant was classified as uncertain significance.

Blueprint Genetics
Classification: Likely benign. Last evaluated: 2024-11-06. Review status: criteria provided, single submitter. Criteria: ACMG Guidelines, 2015. Collection method: clinical testing. Allele origin: germline.

CeGaT Center for Human Genetics Tuebingen
Classification: Likely benign. Last evaluated: 2020-12-01. Review status: criteria provided, single submitter. Criteria: CeGaT Center For Human Genetics Tuebingen Variant Classification Criteria Version 2. Collection method: clinical testing. Allele origin: germline. Affected: yes. Observed: 1 variant allele.

GeneDx
Classification: Likely benign. Last evaluated: 2019-08-26. Review status: criteria provided, single submitter. Criteria: GeneDx Variant Classification Process June 2021. Collection method: clinical testing. Allele origin: germline. Affected: yes.
Comment: This variant is associated with the following publications: (PMID: 22974711)

Genetic Services Laboratory, University of Chicago
Classification: Uncertain significance. Last evaluated: 2019-02-26. Review status: criteria provided, single submitter. Criteria: ACMG Guidelines, 2015. Collection method: clinical testing. Allele origin: germline. Affected: no.

PreventionGenetics, part of Exact Sciences
Classification: Likely benign for CENPE-related condition. Last evaluated: 2022-08-19. Review status: no assertion criteria provided. Collection method: clinical testing. Allele origin: germline. Not counted in ClinVar's aggregate classification.
Comment: This variant is classified as likely benign based on ACMG/AMP sequence variant interpretation guidelines (Richards et al. 2015 PMID: 25741868, with internal and published modifications).

NM_001813.3(CENPE):c.6203G>C (p.Arg2068Thr)

Gene: CENPE (centromere protein E; minus strand). Cytogenetic location: 4q24.
Variant type: single nucleotide variant.
Coding change: c.6203G>C on transcript NM_001813.3 (MANE Select); coding-DNA position 6203, G replaced by C.
Protein change: p.Arg2068Thr; replaces arginine 2068 with threonine.
Molecular consequence: missense variant. On other transcripts: intron variant (1).
Genome position (GRCh38, 1-based): chr4:103,139,790, C>G on the plus strand (G>C on the coding strand, the complement: CENPE is on the minus strand). VCF-style: chr4-103139790-C-G. GRCh37 (hg19) VCF-style: chr4-104060947-C-G.
Other names: c.5838+466G>C (NM_001286734.2); short protein forms R2068T.
Identifiers: ClinVar variation 1012503 (VCV001012503.47), dbSNP rs148969710, ClinGen allele CA3029440.
Genomic context (GRCh38, chr4:103,139,790, plus strand): 5'-TTTCAAAAAAGCTTAATTCTTATTAATAGTTACTACACAAAGGAAGACTCTGAACTCACT[C>G]TAGCTATCATTTCCCTTAAGGTTGCTATGAATTGGTCCCTTTCCATTTTGAGAGATTCTT-3'
Protein context (NP_001804.2, residues 2058-2078): FIATLREMIA[Arg2068Thr]DRQNHQVKPE